The following is an entry in ClinVar:

ClinVar aggregate classification (germline): Conflicting classifications of pathogenicity. Review status: criteria provided, conflicting classifications (1 of 4 stars). 4 submissions from 4 submitters: Uncertain significance (2); Benign (1). 1 of the submissions does not count toward it. Last evaluated 2024-05-27.

Conditions:
BEST1-related disorder. Also called: BEST1-related disorders; BEST1-related condition. Identifiers: MedGen CN239200.
Retinal dystrophy. Also called: Inherited retinal dystrophy. Identifiers: Orphanet 71862, MedGen C0854723, MeSH D058499, MONDO:0019118, HP:0000556.

Allele frequency attached by ClinVar (database versions not stated): ExAC 0.00006; 1000 Genomes Project 0.00020; 1000 Genomes Project 30x 0.00031.
gnomAD v4.1: 50 of 1,612,618 alleles (0.0031%); highest among the groups gnomAD compares: East Asian, 0.08%; no homozygotes.

Submissions (4):

Blueprint Genetics
Classification: Uncertain significance. Last evaluated: 2024-05-27. Review status: criteria provided, single submitter. Criteria: ACMG Guidelines, 2015. Collection method: clinical testing. Allele origin: germline.

Dept Of Ophthalmology, Nagoya University
Classification: Benign for Retinal dystrophy. Last evaluated: 2023-10-01. Review status: criteria provided, single submitter. Criteria: Submitter's publication. Collection method: research. Allele origin: germline. Affected: yes.

Labcorp Genetics (formerly Invitae), Labcorp
Classification: Uncertain significance. Last evaluated: 2022-03-18. Review status: criteria provided, single submitter. Criteria: Invitae Variant Classification Sherloc (09022015). Collection method: clinical testing. Allele origin: germline.
Comment: This sequence change replaces proline, which is neutral and non-polar, with histidine, which is basic and polar, at codon 346 of the BEST1 protein (p.Pro346His). This variant is present in population databases (rs563488311, gnomAD 0.07%). This missense change has been observed in individual(s) with autosomal dominant Best vitelliform macular dystrophy and retinitis pigmentosa (PMID: 26201355, 31519547, 33090715, 33946315). Advanced modeling of protein sequence and biophysical properties (such as structural, functional, and spatial information, amino acid conservation, physicochemical variation, residue mobility, and thermodynamic stability) performed at Invitae indicates that this missense variant is expected to disrupt BEST1 protein function. In summary, the available evidence is currently insufficient to determine the role of this variant in disease. Therefore, it has been classified as a Variant of Uncertain Significance.

PreventionGenetics, part of Exact Sciences
Classification: Uncertain significance for BEST1-related condition. Last evaluated: 2024-09-24. Review status: no assertion criteria provided. Collection method: clinical testing. Allele origin: germline. Not counted in ClinVar's aggregate classification.
Comment: The BEST1 c.1037C>A variant is predicted to result in the amino acid substitution p.Pro346His. This variant has been reported in multiple individuals with Best vitelliform macular dystrophy (for examples, see Katagiri et al. 2015. PubMed ID: 26201355; Supplementary table 2, Gao et al. 2019. PubMed ID: 31519547). This variant is reported in 0.061% of alleles in individuals of East Asian descent in gnomAD. Although we suspect that this variant maybe pathogenic, at this time, the clinical significance of this variant is uncertain due to the absence of conclusive functional and genetic evidence.

Literature cited by the submitters: PubMed 26201355 (cited by Labcorp Genetics (formerly Invitae), Labcorp); PubMed 31519547 (cited by Labcorp Genetics (formerly Invitae), Labcorp); PubMed 33090715 (cited by Labcorp Genetics (formerly Invitae), Labcorp); PubMed 33946315 (cited by Labcorp Genetics (formerly Invitae), Labcorp).

NM_004183.4(BEST1):c.1037C>A (p.Pro346His)

Gene: BEST1 (bestrophin 1; plus strand). Cytogenetic location: 11q12.3.
Variant type: single nucleotide variant.
Coding change: c.1037C>A on transcript NM_004183.4 (MANE Select); coding-DNA position 1037, C replaced by A.
Protein change: p.Pro346His; replaces proline 346 with histidine.
Molecular consequence: missense variant. On other transcripts: non-coding transcript variant (1).
Genome position (GRCh38, 1-based): chr11:61,959,980, C>A. VCF-style: chr11-61959980-C-A. GRCh37 (hg19) VCF-style: chr11-61727452-C-A.
Other names: c.1037C>A (NM_004183.3); c.857C>A, p.Pro286His (NM_001139443.3, NM_001300787.2); c.776C>A, p.Pro259His (NM_001300786.2); c.719C>A, p.Pro240His (NM_001363591.3); c.1240C>A, p.Pro414Thr (NM_001363592.2); c.65C>A, p.Pro22His (NM_001363593.3); short protein forms P259H, P286H, P22H, P240H, P346H, P414T.
Identifiers: ClinVar variation 2073884 (VCV002073884.7), dbSNP rs563488311, ClinGen allele CA6040971.
Genomic context (GRCh38, chr11:61,959,980, plus strand): 5'-ACCAGGACCTGCCTCGGATGGAGCCGGACATGTACTGGAATAAGCCCGAGCCACAGCCCC[C>A]CTACACAGCTGCTTCCGCCCAGTTCCGTCGAGCCTCCTTTATGGGCTCCACCTTCAACAT-3'
Protein context (NP_004174.1, residues 336-356): MYWNKPEPQP[Pro346His]YTAASAQFRR